The following is an entry in ClinVar:

NM_000256.3(MYBPC3):c.821C>T (p.Thr274Met)

Gene: MYBPC3 (myosin binding protein C3; minus strand). Cytogenetic location: 11p11.2.
Variant type: single nucleotide variant.
Coding change: c.821C>T on transcript NM_000256.3 (MANE Select); coding-DNA position 821, C replaced by T.
Protein change: p.Thr274Met; replaces threonine 274 with methionine.
Molecular consequence: missense variant.
Genome position (GRCh38, 1-based): chr11:47,347,857, G>A on the plus strand (C>T on the coding strand, the complement: MYBPC3 is on the minus strand). VCF-style: chr11-47347857-G-A. GRCh37 (hg19) VCF-style: chr11-47369408-G-A.
Other names: short protein forms T274M.
Identifiers: ClinVar variation 846235 (VCV000846235.17), dbSNP rs748746951, ClinGen allele CA056970.

ClinVar aggregate classification (germline): Uncertain significance. Review status: criteria provided, multiple submitters, no conflicts (2 of 4 stars). 5 submissions from 5 submitters: Uncertain significance (5). Last evaluated 2025-12-07.

Conditions:
Left ventricular noncompaction 10 (LVNC10). Identifiers: Orphanet 154, Orphanet 54260, MedGen C3715165, MONDO:0014163, OMIM 615396.
Hypertrophic cardiomyopathy 4. Also called: Familial hypertrophic cardiomyopathy 4. Identifiers: MedGen C1861862, MONDO:0007268, OMIM 115197.
Cardiomyopathy (CMYO). Also called: Cardiomyopathies. Identifiers: Orphanet 167848, MedGen C0878544, MONDO:0004994, HP:0001638. Inheritance: Various modes of inheritance.
Hypertrophic cardiomyopathy. Also called: HYPERTROPHIC MYOCARDIOPATHY. Identifiers: Orphanet 217569, MedGen C0007194, MeSH D002312, MONDO:0005045, HP:0001639.

Allele frequency attached by ClinVar (database versions not stated): gnomAD 0.00001; TOPMed 0.00001; gnomAD exomes 0.00002; ExAC 0.00009.
gnomAD v4.1: 29 of 1,565,364 alleles (0.0019%); highest among the groups gnomAD compares: South Asian, 0.0047%; no homozygotes.

Submissions (5):

Labcorp Genetics (formerly Invitae), Labcorp
Classification: Uncertain significance for Hypertrophic cardiomyopathy. Last evaluated: 2025-12-07. Review status: criteria provided, single submitter. Criteria: Invitae Variant Classification Sherloc (09022015). Collection method: clinical testing. Allele origin: germline.
Comment: This sequence change replaces threonine, which is neutral and polar, with methionine, which is neutral and non-polar, at codon 274 of the MYBPC3 protein (p.Thr274Met). The frequency data for this variant in the population databases is considered unreliable, as metrics indicate poor data quality at this position in the gnomAD database. This variant has not been reported in the literature in individuals affected with MYBPC3-related conditions. ClinVar contains an entry for this variant (Variation ID: 846235). An algorithm developed to predict the effect of missense changes on protein structure and function (PolyPhen-2) suggests that this variant is likely to be disruptive. In summary, the available evidence is currently insufficient to determine the role of this variant in disease. Therefore, it has been classified as a Variant of Uncertain Significance.

Color Diagnostics, LLC DBA Color Health
Classification: Uncertain significance for Cardiomyopathy. Last evaluated: 2025-03-17. Review status: criteria provided, single submitter. Criteria: ACMG Guidelines, 2015. Collection method: clinical testing. Allele origin: germline.
Comment: This missense variant replaces threonine with methionine at codon 274 of the MYBPC3 protein. Computational prediction suggests that this variant may not impact protein structure and function. To our knowledge, functional studies have not been reported for this variant. This variant has been reported in one individual affected with hypertrophic cardiomyopathy (Zambrano 2023, dissertation, University of Coruna); this individual also carried a pathogenic truncation variant in the same gene. This variant has been identified in 3/173788 chromosomes in the general population by the Genome Aggregation Database (gnomAD). The available evidence is insufficient to determine the role of this variant in disease conclusively. Therefore, this variant is classified as a Variant of Uncertain Significance.

All of Us Research Program, National Institutes of Health
Classification: Uncertain significance for Hypertrophic cardiomyopathy. Last evaluated: 2023-08-08. Review status: criteria provided, single submitter. Criteria: ACMG Guidelines, 2015. Collection method: clinical testing. Allele origin: germline. Inheritance: Autosomal dominant inheritance. Observed: 3 variant alleles, 3 heterozygotes.
Comment: This missense variant replaces threonine with methionine at codon 274 of the MYBPC3 protein. Computational prediction suggests that this variant may not impact protein structure and function (internally defined REVEL score threshold <= 0.5, PMID: 27666373). Splice site prediction tools suggest that this variant may not impact RNA splicing. To our knowledge, functional studies have not been performed for this variant. This variant has not been reported in individuals affected with cardiovascular disorders in the literature. This variant has been identified in 3/173788 chromosomes in the general population by the Genome Aggregation Database (gnomAD). The available evidence is insufficient to determine the role of this variant in disease conclusively. Therefore, this variant is classified as a Variant of Uncertain Significance.

This study involves interpretation of variants in research participants for the purpose of population health screening. Participant phenotype was not available at the time of variant classification. Additional details can be found in publication PMID: 35346344, PMCID: PMC8962531

Fulgent Genetics
Classification: Uncertain significance for Hypertrophic cardiomyopathy 4; Left ventricular noncompaction 10. Last evaluated: 2021-11-02. Review status: criteria provided, single submitter. Criteria: ACMG Guidelines, 2015. Collection method: clinical testing. Allele origin: unknown.

CHEO Genetics Diagnostic Laboratory, Children's Hospital of Eastern Ontario
Classification: Uncertain significance for Cardiomyopathy. Last evaluated: 2021-07-15. Review status: criteria provided, single submitter. Criteria: ACMG Guidelines, 2015. Collection method: clinical testing. Allele origin: germline.